The following is an entry in ClinVar:

NM_021831.6(AGBL5):c.347G>T (p.Arg116Leu)

Gene: AGBL5 (AGBL carboxypeptidase 5; plus strand). Cytogenetic location: 2p23.3.
Variant type: single nucleotide variant.
Coding change: c.347G>T on transcript NM_021831.6 (MANE Select); coding-DNA position 347, G replaced by T.
Protein change: p.Arg116Leu; replaces arginine 116 with leucine.
Molecular consequence: missense variant. On other transcripts: non-coding transcript variant (2).
Genome position (GRCh38, 1-based): chr2:27,053,533, G>T. VCF-style: chr2-27053533-G-T. GRCh37 (hg19) VCF-style: chr2-27276401-G-T.
Other names: c.347G>T, p.Arg116Leu (NM_001035507.3); short protein forms R116L.
Identifiers: ClinVar variation 1468575 (VCV001468575.6), dbSNP rs768782523, ClinGen allele CA346170290.

ClinVar aggregate classification (germline): Uncertain significance (1 of 4 stars; one submission).

Submission:

Labcorp Genetics (formerly Invitae), Labcorp
Classification: Uncertain significance. Last evaluated: 2021-07-28. Review status: criteria provided, single submitter. Criteria: Invitae Variant Classification Sherloc (09022015). Collection method: clinical testing. Allele origin: germline.
Comment: In summary, the available evidence is currently insufficient to determine the role of this variant in disease. Therefore, it has been classified as a Variant of Uncertain Significance. Algorithms developed to predict the effect of missense changes on protein structure and function (SIFT, PolyPhen-2, Align-GVGD) all suggest that this variant is likely to be tolerated. This variant has not been reported in the literature in individuals affected with AGBL5-related conditions. This variant is not present in population databases (ExAC no frequency). This sequence change replaces arginine with leucine at codon 116 of the AGBL5 protein (p.Arg116Leu). The arginine residue is highly conserved and there is a moderate physicochemical difference between arginine and leucine.